The following is an entry in ClinVar:

ClinVar aggregate classification (germline): Pathogenic (1 of 4 stars; one submission).

Conditions:
Primary pulmonary hypertension. Also called: Idiopathic pulmonary hypertension. Identifiers: MedGen C0152171.

Submission:

Labcorp Genetics (formerly Invitae), Labcorp
Classification: Pathogenic for Primary pulmonary hypertension. Last evaluated: 2023-07-07. Review status: criteria provided, single submitter. Criteria: Invitae Variant Classification Sherloc (09022015). Collection method: clinical testing. Allele origin: germline.
Comment: This sequence change creates a premature translational stop signal (p.Glu439Glyfs*8) in the BMPR2 gene. It is expected to result in an absent or disrupted protein product. Loss-of-function variants in BMPR2 are known to be pathogenic (PMID: 16429395). This variant is not present in population databases (gnomAD no frequency). This variant has not been reported in the literature in individuals affected with BMPR2-related conditions. For these reasons, this variant has been classified as Pathogenic.

Literature cited by the submitters: PubMed 16429395.

NM_001204.7(BMPR2):c.1316_1317del (p.Glu439fs)

Gene: BMPR2 (bone morphogenetic protein receptor type 2; plus strand). Cytogenetic location: 2q33.2.
Variant type: Microsatellite.
Coding change: c.1316_1317del on transcript NM_001204.7 (MANE Select); coding-DNA positions 1316 to 1317, 2 bases deleted (AG; older notation c.1316_1317delAG).
Protein change: p.Glu439fs; shifts the reading frame from glutamic acid 439.
Molecular consequence: frameshift variant.
Genome position (GRCh38, 1-based): chr2:202,542,350-202,542,351, AG deleted; deleting any 2 consecutive bases within chr2:202,542,348-202,542,351 gives the same sequence; the c. name uses the placement nearest the transcript's 3' end. VCF-style (leftmost placement, unchanged base first): chr2-202542347-CAG-C. GRCh37 (hg19) VCF-style: chr2-203407070-CAG-C.
Other names: short protein forms E439fs.
Identifiers: ClinVar variation 2737154 (VCV002737154.3), dbSNP rs2468722793, ClinGen allele CA645532636.